The following is an entry in ClinVar:

NM_000138.5(FBN1):c.6119G>A (p.Cys2040Tyr)

Gene: FBN1 (fibrillin 1; minus strand). Cytogenetic location: 15q21.1.
Variant type: single nucleotide variant.
Coding change: c.6119G>A on transcript NM_000138.5 (MANE Select); coding-DNA position 6119, G replaced by A.
Protein change: p.Cys2040Tyr; replaces cysteine 2040 with tyrosine.
Molecular consequence: missense variant.
Genome position (GRCh38, 1-based): chr15:48,441,765, C>T on the plus strand (G>A on the coding strand, the complement: FBN1 is on the minus strand). VCF-style: chr15-48441765-C-T. GRCh37 (hg19) VCF-style: chr15-48733962-C-T.
Other names: short protein forms C2040Y.
Identifiers: ClinVar variation 42397 (VCV000042397.20), dbSNP rs397515830, ClinGen allele CA016237.

ClinVar aggregate classification (germline): Pathogenic/Likely pathogenic. Review status: criteria provided, multiple submitters, no conflicts (2 of 4 stars). 2 submissions from 2 submitters: Pathogenic (1); Likely pathogenic (1). Last evaluated 2021-03-01.

Conditions:
Marfan syndrome (MFS). Also called: FBN1-Related Marfan Syndrome; Marfan syndrome, classic; MARFAN SYNDROME, TYPE I; Marfan syndrome type 1; Marfan's syndrome. Identifiers: Orphanet 284963, Orphanet 558, MedGen C0024796, MONDO:0007947, OMIM 154700.

Submissions (2):

Centre of Medical Genetics, University of Antwerp
Classification: Pathogenic for Marfan syndrome. Last evaluated: 2021-03-01. Review status: criteria provided, single submitter. Criteria: Submitter's publication. Collection method: research. Allele origin: unknown. Affected: yes.
Comment: PM2, PVS2, PP4

Laboratory for Molecular Medicine, Mass General Brigham Personalized Medicine
Classification: Likely pathogenic for Marfan syndrome. Last evaluated: 2010-11-15. Review status: criteria provided, single submitter. Criteria: LMM Criteria. Collection method: clinical testing. Allele origin: germline. Observed: 1 variant allele.
Comment: The 6119G>A (Cys2040Tyr) variant has not been previously reported in the literat ure or been identified by our laboratory. This variant affects a cysteine residu e; cysteine substitutions are a common finding in individuals with Marfan syndro me (Schrijver 1999). Cysteine at amino acid position 2040 is highly conserved ac ross evolutionarily distinct species. In addition, computational analyses (PolyP hen, SIFT, AlignGVGD) suggest that the Cys2040Tyr variant may impact the normal function of the protein, although it should be noted that the sensitivity and sp ecificity of these analyses has not been determined. This variant is likely to b e pathogenic.

Literature cited by the submitters: PubMed 10486319 (cited by Laboratory for Molecular Medicine, Mass General Brigham Personalized Medicine).